The following is an entry in ClinVar:

ClinVar aggregate classification (germline): Conflicting classifications of pathogenicity. Review status: criteria provided, conflicting classifications (1 of 4 stars). 6 submissions from 6 submitters: Uncertain significance (4); Likely benign (1). 1 of the submissions does not count toward it. Last evaluated 2024-12-05.

Conditions:
Basal cell nevus syndrome 1 (BCNS1). Also called: GORLIN-GOLTZ SYNDROME; MULTIPLE BASAL CELL NEVI, ODONTOGENIC KERATOCYSTS, AND SKELETAL ANOMALIES. Identifiers: MedGen CN376810, MONDO:0958174, OMIM 109400.
Hereditary cancer-predisposing syndrome. Also called: Tumor predisposition; Hereditary neoplastic syndrome; Neoplastic Syndromes, Hereditary; Hereditary Cancer Syndrome. Identifiers: Orphanet 140162, MedGen C0027672, MeSH D009386, MONDO:0015356.
Gorlin syndrome. Also called: Nevoid Basal Cell Carcinoma Syndrome; Basal cell nevus syndrome. Identifiers: Orphanet 377, MedGen C0004779, MONDO:0007187.

Allele frequency attached by ClinVar (database versions not stated): gnomAD exomes 0.00001; TOPMed 0.00001; ExAC 0.00002.
gnomAD v4.1: 17 of 1,614,220 alleles (0.0011%); highest among the groups gnomAD compares: Middle Eastern, 0.016%; no homozygotes.

Submissions (6):

Labcorp Genetics (formerly Invitae), Labcorp
Classification: Uncertain significance for Gorlin syndrome. Last evaluated: 2024-12-05. Review status: criteria provided, single submitter. Criteria: Invitae Variant Classification Sherloc (09022015). Collection method: clinical testing. Allele origin: germline.
Comment: This sequence change replaces glutamine, which is neutral and polar, with arginine, which is basic and polar, at codon 853 of the PTCH1 protein (p.Gln853Arg). This variant is present in population databases (rs587778628, gnomAD 0.003%). This variant has not been reported in the literature in individuals affected with PTCH1-related conditions. ClinVar contains an entry for this variant (Variation ID: 135096). Invitae Evidence Modeling of protein sequence and biophysical properties (such as structural, functional, and spatial information, amino acid conservation, physicochemical variation, residue mobility, and thermodynamic stability) indicates that this missense variant is not expected to disrupt PTCH1 protein function with a negative predictive value of 95%. In summary, the available evidence is currently insufficient to determine the role of this variant in disease. Therefore, it has been classified as a Variant of Uncertain Significance.

St. Jude Molecular Pathology, St. Jude Children's Research Hospital
Classification: Uncertain significance for Basal cell nevus syndrome 1. Last evaluated: 2024-08-01. Review status: criteria provided, single submitter. Criteria: St. Jude Assertion Criteria 2020. Collection method: clinical testing. Allele origin: germline.
Comment: The PTCH1 c.2558A>G (p.Gln853Arg) missense change has a maximum subpopulation frequency of 0.0026% in gnomAD v2.1.1. The in silico tool REVEL is inconclusive about a pathogenic or benign effect of this variant on protein function, and to our knowledge functional studies have not been performed. This variant has been reported in an individual with acute lymphoblastic leukemia (PMID: 34771502) and in one individual in an ancestrally-diverse healthy population (PMID: 24728327). To our knowledge, this variant has not been reported in individuals with nevoid basal cell carcinoma syndrome. In summary, the evidence currently available is insufficient to determine the clinical significance of this variant. It has therefore been classified as of uncertain significance.

GeneDx
Classification: Uncertain significance. Last evaluated: 2023-05-28. Review status: criteria provided, single submitter. Criteria: GeneDx Variant Classification Process June 2021. Collection method: clinical testing. Allele origin: germline. Affected: yes.
Comment: Not observed at significant frequency in large population cohorts (gnomAD); In silico analysis supports that this missense variant does not alter protein structure/function; Identified in healthy individuals undergoing whole genome sequencing (Bodian et al., 2014); This variant is associated with the following publications: (PMID: 24728327, 8906794)

Ambry Genetics
Classification: Likely benign for Hereditary cancer-predisposing syndrome. Last evaluated: 2023-01-17. Review status: criteria provided, single submitter. Criteria: Ambry Variant Classification Scheme 2023. Collection method: clinical testing. Allele origin: germline.

Sema4
Classification: Uncertain significance for Hereditary cancer-predisposing syndrome. Last evaluated: 2021-08-23. Review status: criteria provided, single submitter. Criteria: Sema4 Curation Guidelines. Collection method: curation. Allele origin: germline.
Comment: The PTCH1 c.2558A>G (p.Q853R) variant has been reported in 1 individual in an ancestrally-diverse healthy population (PMID: 24728327). This variant observed in 3/113560 chromosomes in the Non-Finnish European population according to the Genome Aggregation Database (PMID: 32461654). This variant has been reported in ClinVar (Variation ID: 135096). Functional studies have not been performed, and in silico predictions of the variant's effect on protein function are inconclusive. The overall evidence is insufficient to meet ACMG/AMP criteria for classifying it as benign or pathogenic. In summary, the clinical significance of this variant is currently uncertain.

ITMI
No classification provided. Condition: AllHighlyPenetrant. Last evaluated: 2013-09-19. Review status: no classification provided. Collection method: reference population. Allele origin: germline. Not counted in ClinVar's aggregate classification.
Comment: Please see associated publication for description of ethnicities

Literature cited by the submitters: PubMed 24728327 (cited by 3 submitters).

NM_000264.5(PTCH1):c.2558A>G (p.Gln853Arg)

Genes: PTCH1 (patched 1; minus strand), LOC100507346 (uncharacterized LOC100507346; plus strand). Cytogenetic location: 9q22.32.
Variant type: single nucleotide variant.
Coding change: c.2558A>G on transcript NM_000264.5 (MANE Select); coding-DNA position 2558, A replaced by G.
Protein change: p.Gln853Arg; replaces glutamine 853 with arginine.
Molecular consequence: missense variant. On other transcripts: non-coding transcript variant (2).
Genome position (GRCh38, 1-based): chr9:95,467,118, T>C on the plus strand (A>G on the coding strand, the complement: PTCH1 is on the minus strand). VCF-style: chr9-95467118-T-C. GRCh37 (hg19) VCF-style: chr9-98229400-T-C.
Other names: c.2360A>G, p.Gln787Arg (NM_001083602.3); c.2555A>G, p.Gln852Arg (NM_001083603.3); c.2105A>G, p.Gln702Arg (NM_001083604.3, NM_001083605.3, NM_001083606.3 and 1 more transcripts); c.2402A>G, p.Gln801Arg (NM_001354918.2); short protein forms Q787R, Q853R, Q852R, Q702R, Q801R.
Identifiers: ClinVar variation 135096 (VCV000135096.17), dbSNP rs587778628, ClinGen allele CA161675.